The following is an entry in ClinVar:

ClinVar aggregate classification (germline): Uncertain significance (1 of 4 stars; one submission).

Allele frequency attached by ClinVar (database versions not stated): gnomAD exomes 0.00001; TOPMed 0.00001; ExAC 0.00003; 1000 Genomes Project 30x 0.00016; 1000 Genomes Project 0.00020.
gnomAD v4.1: 15 of 1,613,304 alleles (0.00093%); highest among the groups gnomAD compares: South Asian, 0.0033%; no homozygotes.

Submission:

Labcorp Genetics (formerly Invitae), Labcorp
Classification: Uncertain significance. Last evaluated: 2022-04-28. Review status: criteria provided, single submitter. Criteria: Invitae Variant Classification Sherloc (09022015). Collection method: clinical testing. Allele origin: germline.
Comment: This sequence change replaces glycine, which is neutral and non-polar, with arginine, which is basic and polar, at codon 456 of the CACNA1B protein (p.Gly456Arg). In summary, the available evidence is currently insufficient to determine the role of this variant in disease. Therefore, it has been classified as a Variant of Uncertain Significance. Advanced modeling of protein sequence and biophysical properties (such as structural, functional, and spatial information, amino acid conservation, physicochemical variation, residue mobility, and thermodynamic stability) performed at Invitae indicates that this missense variant is not expected to disrupt CACNA1B protein function. This variant has not been reported in the literature in individuals affected with CACNA1B-related conditions. This variant is present in population databases (rs200273878, gnomAD 0.007%).

NM_000718.4(CACNA1B):c.1366G>A (p.Gly456Arg)

Gene: CACNA1B (calcium voltage-gated channel subunit alpha1 B; plus strand). Cytogenetic location: 9q34.3.
Variant type: single nucleotide variant.
Coding change: c.1366G>A on transcript NM_000718.4 (MANE Select); coding-DNA position 1366, G replaced by A.
Protein change: p.Gly456Arg; replaces glycine 456 with arginine.
Molecular consequence: missense variant.
Genome position (GRCh38, 1-based): chr9:137,971,415, G>A. VCF-style: chr9-137971415-G-A. GRCh37 (hg19) VCF-style: chr9-140865867-G-A.
Other names: c.1366G>A, p.Gly456Arg (NM_001243812.2); short protein forms G456R.
Identifiers: ClinVar variation 1902100 (VCV001902100.5), dbSNP rs200273878, ClinGen allele CA5376154.